The following is an entry in ClinVar:

ClinVar aggregate classification (germline): Conflicting classifications of pathogenicity. Review status: criteria provided, conflicting classifications (1 of 4 stars). 18 submissions from 17 submitters: Pathogenic (2); Uncertain significance (2); Benign (3); Likely benign (6). 5 of the submissions do not count toward it. Last evaluated 2026-02-04.

Conditions:
CNGB3-related disorder. Also called: CNGB3-related condition; CNGB3-related disorders. Identifiers: MedGen CN239340.
Retinal dystrophy. Also called: Inherited retinal dystrophy. Identifiers: Orphanet 71862, MedGen C0854723, MeSH D058499, MONDO:0019118, HP:0000556.
Achromatopsia. Also called: Rod monochromatism. Identifiers: Orphanet 49382, MedGen C0152200, MONDO:0018852, HP:0011516.
Retinitis pigmentosa (RP). Identifiers: Orphanet 791, MedGen C0035334, MeSH D012174, MONDO:0019200, OMIM 268000. Inheritance: Autosomal dominant, autosomal recessive and X linked inheritance.
Achromatopsia 3 (ACHM3). Also called: PINGELAPESE BLINDNESS; TOTAL COLORBLINDNESS WITH MYOPIA; ROD MONOCHROMACY 1; ROD MONOCHROMATISM 1; ACHROMATOPSIA WITH MYOPIA. Identifiers: Orphanet 49382, MedGen C1849792, MONDO:0009875, OMIM 262300.
Severe early-childhood-onset retinal dystrophy (STGD1). Also called: Stargardt macular dystrophy; Juvenile onset macular degeneration; Stargardt disease 1; STGD; MACULAR DYSTROPHY WITH FLECKS, TYPE 1. Identifiers: Orphanet 364055, Orphanet 827, MedGen C1855465, MeSH D000080362, MONDO:0009549, OMIM 248200.
Abnormality of the eye. Identifiers: MedGen C4316870, HP:0000478.

Allele frequency attached by ClinVar (database versions not stated): gnomAD 0.00119 and 0.00219; ESP Exome Variant Server 0.00138; TOPMed 0.00141; gnomAD exomes 0.00458; ExAC 0.00511; 1000 Genomes Project 0.00699; 1000 Genomes Project 30x 0.00781.
gnomAD v4.1: 5,041 of 1,612,558 alleles (0.31%); highest among the groups gnomAD compares: South Asian, 2.8%; 73 homozygotes.

Submissions (18):

Labcorp Genetics (formerly Invitae), Labcorp
Classification: Benign. Last evaluated: 2026-02-04. Review status: criteria provided, single submitter. Criteria: Invitae Variant Classification Sherloc (09022015). Collection method: clinical testing. Allele origin: germline.

PreventionGenetics, part of Exact Sciences
Classification: Likely benign for CNGB3-related condition. Last evaluated: 2026-01-14. Review status: criteria provided, single submitter. Criteria: ACMG Guidelines, 2015. Collection method: clinical testing. Allele origin: germline.
Comment: This variant is classified as likely benign based on ACMG/AMP sequence variant interpretation guidelines (Richards et al. 2015 PMID: 25741868, with internal and published modifications).

Women's Health and Genetics/Laboratory Corporation of America, LabCorp
Classification: Likely benign. Last evaluated: 2025-09-30. Review status: criteria provided, single submitter. Criteria: LabCorp Variant Classification Summary - May 2015. Collection method: clinical testing. Allele origin: germline.
Comment: Variant summary: CNGB3 c.1208G>A (p.Arg403Gln) results in a conservative amino acid change located in the ion transport domain (IPR005821) of the encoded protein sequence. Algorithms developed to predict the effect of missense changes on protein structure and function are either unavailable or do not agree on the potential impact of this missense change. The variant allele was found at a frequency of 0.0046 in 251014 control chromosomes, predominantly at a frequency of 0.027 within the South Asian subpopulation in the gnomAD database, including 24 homozygotes. The observed variant frequency within South Asian control individuals in the gnomAD database exceeds the estimated maximal expected allele frequency for disease-causing variants in CNGB3. c.1208G>A variant has been reported in patients who present with a highly variable range of clinical findings from mild macular dystrophy to severe cone dystrophy with near complete loss of cone function, without strong evidence for causality (e.g. Michaelides_2004, Lin_2017, Greenberg_2014, Jinda_2021, Burkard_2018, Mayer_2017). These report(s) do not provide unequivocal conclusions about association of the variant with Achromatopsia. At least one publication reports experimental evidence evaluating an impact on protein function, however, does not allow convincing conclusions about the variant effect (Bright_2005 and Burkard_2018). The following publications have been ascertained in the context of this evaluation (PMID: 16379026, 30418171, 24504161, 32869108, 28418496, 28795510, 15161866, 37734845). ClinVar contains an entry for this variant (Variation ID: 143154). Based on the evidence outlined above, the variant was classified as likely benign.

CeGaT Center for Human Genetics Tuebingen
Classification: Benign. Last evaluated: 2024-11-01. Review status: criteria provided, single submitter. Criteria: CeGaT Center For Human Genetics Tuebingen Variant Classification Criteria Version 2. Collection method: clinical testing. Allele origin: germline. Affected: yes. Observed: 2 variant alleles.
Comment: CNGB3: BS1, BS2

Institute of Human Genetics, Univ. Regensburg, Univ. Regensburg
Classification: Uncertain significance for Retinal dystrophy. Last evaluated: 2023-01-01. Review status: criteria provided, single submitter. Criteria: ACMG Guidelines, 2015. Collection method: clinical testing. Allele origin: germline. Affected: yes.

Department of Pathology and Laboratory Medicine, Sinai Health System
Classification: Uncertain significance for Achromatopsia 3. Last evaluated: 2022-10-11. Review status: criteria provided, single submitter. Criteria: ACMG Guidelines, 2015. Collection method: research. Allele origin: germline.

GeneDx
Classification: Benign. Last evaluated: 2022-05-27. Review status: criteria provided, single submitter. Criteria: GeneDx Variant Classification Process June 2021. Collection method: clinical testing. Allele origin: germline. Affected: yes.
Comment: See Variant Classification Assertion Criteria.

Genome-Nilou Lab
Classification: Likely benign for Achromatopsia 3. Last evaluated: 2021-05-18. Review status: criteria provided, single submitter. Criteria: ACMG Guidelines, 2015. Collection method: clinical testing. Allele origin: germline. Affected: no.

Molecular Genetics Laboratory, Institute for Ophthalmic Research
Classification: Pathogenic for Achromatopsia. Last evaluated: 2018-03-20. Review status: criteria provided, single submitter. Criteria: ACMG Guidelines, 2015. Collection method: research. Allele origin: germline. Affected: yes.

Genomic Research Center, Shahid Beheshti University of Medical Sciences
Classification: Pathogenic for Disorder of eye. Last evaluated: 2017-06-18. Review status: criteria provided, single submitter. Criteria: ACMG Guidelines, 2015. Collection method: clinical testing. Allele origin: inherited. Affected: yes. Observed: 1 variant allele.

Illumina Laboratory Services, Illumina
Classification: Likely benign for Severe early-childhood-onset retinal dystrophy. Last evaluated: 2017-04-27. Review status: criteria provided, single submitter. Criteria: ICSL Variant Classification Criteria 13 December 2019. Collection method: clinical testing. Allele origin: germline.
Comment: This variant was observed as part of a predisposition screen in an ostensibly healthy population. A literature search was performed for the gene, cDNA change, and amino acid change (where applicable). No publications were found based on this search. Allele frequency data from public databases allowed determination this variant is unlikely to cause disease. Therefore, this variant is classified as likely benign.

Eurofins Ntd Llc (ga)
Classification: Likely benign. Last evaluated: 2015-04-22. Review status: criteria provided, single submitter. Criteria: EGL Classification Definitions 2015. Collection method: clinical testing. Allele origin: germline. Observed: 2 variant alleles, 2 heterozygotes.

Broad Center for Mendelian Genomics, Broad Institute of MIT and Harvard
Classification: Likely benign for Severe early-childhood-onset retinal dystrophy. Review status: criteria provided, single submitter. Criteria: ACMG Guidelines, 2015. Collection method: research. Allele origin: germline. Inheritance: Autosomal recessive inheritance. Affected: yes.
Comment: In vitro functional studies provide some evidence that the p.Arg403Gln variant may slightly impact protein function (PMID: 16379026). However, these types of assays may not accurately represent biological function. In summary, although additional studies are required to fully establish its clinical significance, this variant meets criteria to be classified as likely benign for autosomal recessive progressive cone dystrophy.

Natera, Inc.
Classification: Uncertain significance for Achromatopsia. Last evaluated: 2020-01-08. Review status: no assertion criteria provided. Collection method: clinical testing. Allele origin: germline. Not counted in ClinVar's aggregate classification.

Sharon lab, Hadassah-Hebrew University Medical Center
Classification: Pathogenic for achromatopsia. Last evaluated: 2019-06-23. Review status: no assertion criteria provided. Collection method: research. Allele origin: inherited. Affected: yes. Not counted in ClinVar's aggregate classification.

Molecular Genetics Laboratory, Institute for Ophthalmic Research
Classification: Likely pathogenic for ACHM3. Last evaluated: 2017-03-27. Review status: no assertion criteria provided. Collection method: research. Allele origin: germline. Affected: yes. Not counted in ClinVar's aggregate classification.

Joint Genome Diagnostic Labs from Nijmegen and Maastricht, Radboudumc and MUMC+
Classification: Uncertain significance for Retinitis pigmentosa. Last evaluated: 2016-09-01. Review status: no assertion criteria provided. Collection method: clinical testing. Allele origin: unknown. Affected: yes. Observed: 1 variant allele. Not counted in ClinVar's aggregate classification.

Department of Ophthalmology and Visual Sciences Kyoto University
Classification: Likely benign. Review status: no assertion criteria provided. Collection method: not provided. Allele origin: unknown. Not counted in ClinVar's aggregate classification.
ClinVar note: Converted during submission from probable-non-pathogenic to Likely benign.

Literature cited by the submitters: PubMed 28418496 (cited by Women's Health and Genetics/Laboratory Corporation of America, LabCorp and Institute of Human Genetics, Univ. Regensburg, Univ. Regensburg); PubMed 16379026 (cited by 4 submitters); PubMed 30418171 (cited by Women's Health and Genetics/Laboratory Corporation of America, LabCorp and Institute of Human Genetics, Univ. Regensburg, Univ. Regensburg); PubMed 24504161 (cited by 3 submitters); PubMed 32869108 (cited by Women's Health and Genetics/Laboratory Corporation of America, LabCorp and Institute of Human Genetics, Univ. Regensburg, Univ. Regensburg); PubMed 15161866 (cited by 3 submitters); PubMed 28795510 (cited by Women's Health and Genetics/Laboratory Corporation of America, LabCorp and Molecular Genetics Laboratory, Institute for Ophthalmic Research); PubMed 37734845 (cited by Women's Health and Genetics/Laboratory Corporation of America, LabCorp); PubMed 22995991 (cited by Institute of Human Genetics, Univ. Regensburg, Univ. Regensburg and Broad Center for Mendelian Genomics, Broad Institute of MIT and Harvard); PubMed 22975760 (cited by Institute of Human Genetics, Univ. Regensburg, Univ. Regensburg and Broad Center for Mendelian Genomics, Broad Institute of MIT and Harvard); PubMed 25326637 (cited by Institute of Human Genetics, Univ. Regensburg, Univ. Regensburg); PubMed 27884173 (cited by Institute of Human Genetics, Univ. Regensburg, Univ. Regensburg); PubMed 26990548 (cited by Institute of Human Genetics, Univ. Regensburg, Univ. Regensburg); PubMed 27535533 (cited by Institute of Human Genetics, Univ. Regensburg, Univ. Regensburg); PubMed 31456290 (cited by Institute of Human Genetics, Univ. Regensburg, Univ. Regensburg); PubMed 32531858 (cited by Institute of Human Genetics, Univ. Regensburg, Univ. Regensburg); PubMed 35119454 (cited by Institute of Human Genetics, Univ. Regensburg, Univ. Regensburg); PubMed 36259723 (cited by Institute of Human Genetics, Univ. Regensburg, Univ. Regensburg).

NM_019098.5(CNGB3):c.1208G>A (p.Arg403Gln)

Gene: CNGB3 (cyclic nucleotide gated channel subunit beta 3; minus strand). Cytogenetic location: 8q21.3.
Variant type: single nucleotide variant.
Coding change: c.1208G>A on transcript NM_019098.5 (MANE Select); coding-DNA position 1208, G replaced by A.
Protein change: p.Arg403Gln; replaces arginine 403 with glutamine.
Molecular consequence: missense variant.
Genome position (GRCh38, 1-based): chr8:86,632,864, C>T on the plus strand (G>A on the coding strand, the complement: CNGB3 is on the minus strand). VCF-style: chr8-86632864-C-T. GRCh37 (hg19) VCF-style: chr8-87645092-C-T.
Other names: short protein forms R403Q.
Identifiers: ClinVar variation 143154 (VCV000143154.61), dbSNP rs147876778, ClinGen allele CA232853.